The following is an entry in ClinVar:

NM_198253.3(TERT):c.1485C>T (p.Ile495=)

Gene: TERT (telomerase reverse transcriptase; minus strand). Cytogenetic location: 5p15.33.
Variant type: single nucleotide variant.
Coding change: c.1485C>T on transcript NM_198253.3 (MANE Select); coding-DNA position 1485, C replaced by T.
Protein change: p.Ile495=; no amino-acid change (isoleucine 495 retained).
Molecular consequence: synonymous variant. On other transcripts: non-coding transcript variant (2).
Genome position (GRCh38, 1-based): chr5:1,293,401, G>A on the plus strand (C>T on the coding strand, the complement: TERT is on the minus strand). VCF-style: chr5-1293401-G-A. GRCh37 (hg19) VCF-style: chr5-1293516-G-A.
Other names: c.1485C>T, p.Ile495= (NM_001193376.3).
Identifiers: ClinVar variation 699461 (VCV000699461.28), dbSNP rs1352932374, ClinGen allele CA443240533.

ClinVar aggregate classification (germline): Likely benign. Review status: criteria provided, multiple submitters, no conflicts (2 of 4 stars). 3 submissions from 3 submitters: Likely benign (3). Last evaluated 2026-03-01.

Conditions:
Idiopathic Pulmonary Fibrosis. Also called: Idiopathic fibrosing alveolitis, chronic form; idiopathic fibrosing alveolitis. Identifiers: Orphanet 2032, MedGen C1800706, MeSH D054990, MONDO:0800504.
Dyskeratosis congenita, autosomal dominant 2. Identifiers: MedGen C3151443, MONDO:0013521, OMIM 613989.
Dyskeratosis congenita. Identifiers: Orphanet 1775, MedGen C0265965, MONDO:0015780.

Allele frequency attached by ClinVar (database versions not stated): gnomAD exomes below 0.00001.
gnomAD v4.1: 3 of 1,613,298 alleles (0.00019%); highest among the groups gnomAD compares: Admixed American, 0.0017%; no homozygotes.

Submissions (3):

CeGaT Center for Human Genetics Tuebingen
Classification: Likely benign. Last evaluated: 2026-03-01. Review status: criteria provided, single submitter. Criteria: CeGaT Center For Human Genetics Tuebingen Variant Classification Criteria Version 2. Collection method: clinical testing. Allele origin: germline. Affected: yes. Observed: 2 variant alleles.
Comment: TERT: BP4, BP7

Labcorp Genetics (formerly Invitae), Labcorp
Classification: Likely benign for Dyskeratosis congenita, autosomal dominant 2; Idiopathic Pulmonary Fibrosis. Last evaluated: 2025-03-22. Review status: criteria provided, single submitter. Criteria: Invitae Variant Classification Sherloc (09022015). Collection method: clinical testing. Allele origin: germline.

Ambry Genetics
Classification: Likely benign for Dyskeratosis congenita. Last evaluated: 2022-11-20. Review status: criteria provided, single submitter. Criteria: Ambry Variant Classification Scheme 2023. Collection method: clinical testing. Allele origin: germline.